The following is an entry in ClinVar:

NM_000481.4(AMT):c.890G>A (p.Arg297Gln)

Gene: AMT (aminomethyltransferase; minus strand). Cytogenetic location: 3p21.31.
Variant type: single nucleotide variant.
Coding change: c.890G>A on transcript NM_000481.4 (MANE Select); coding-DNA position 890, G replaced by A.
Protein change: p.Arg297Gln; replaces arginine 297 with glutamine.
Molecular consequence: missense variant. On other transcripts: non-coding transcript variant (1).
Genome position (GRCh38, 1-based): chr3:49,417,961, C>T on the plus strand (G>A on the coding strand, the complement: AMT is on the minus strand). VCF-style: chr3-49417961-C-T. GRCh37 (hg19) VCF-style: chr3-49455394-C-T.
Other names: c.758G>A, p.Arg253Gln (NM_001164710.2); c.722G>A, p.Arg241Gln (NM_001164711.2); c.890G>A, p.Arg297Gln (NM_001164712.2); c.890G>A (NM_000481.3); short protein forms R297Q, R241Q, R253Q.
Identifiers: ClinVar variation 1493781 (VCV001493781.7), dbSNP rs770048404, ClinGen allele CA74512407.

ClinVar aggregate classification (germline): Uncertain significance. Review status: criteria provided, multiple submitters, no conflicts (2 of 4 stars). 4 submissions from 4 submitters: Uncertain significance (4). Last evaluated 2026-09-03.

Conditions:
Fetal anomalies with a likely genetic cause.
Inborn genetic diseases. Identifiers: MedGen C0950123, MeSH D030342.
Glycine encephalopathy. Also called: Nonketotic hyperglycinemia; Non-ketotic hyperglycinemia. Identifiers: Orphanet 407, MedGen C0751748, MONDO:0011612, HP:0008288.

Allele frequency attached by ClinVar (database versions not stated): gnomAD 0.00001; TOPMed 0.00002.
gnomAD v4.1: 35 of 1,611,698 alleles (0.0022%); highest among the groups gnomAD compares: Middle Eastern, 0.017%; no homozygotes.

Submissions (4):

Genetics Laboratory, Great Ormond Street Hospital NHS Foundation Trust, North Thames Genomic Laboratory Hub
Classification: Uncertain significance for Fetal anomalies with a likely genetic cause. Last evaluated: 2026-09-03. Review status: criteria provided, single submitter. Criteria: ACGS Best Practice Guidelines for Variant Classification in Rare Disease 2024 v1.2. Collection method: clinical testing. Allele origin: germline. Affected: yes.
Comment: PM2_moderate, PP3_supporting, PP2_supporting

Ambry Genetics
Classification: Uncertain significance for Inborn genetic diseases. Last evaluated: 2025-10-14. Review status: criteria provided, single submitter. Criteria: Ambry Variant Classification Scheme 2023. Collection method: clinical testing. Allele origin: germline.

Fulgent Genetics
Classification: Uncertain significance for Glycine encephalopathy 1. Last evaluated: 2022-05-06. Review status: criteria provided, single submitter. Criteria: ACMG Guidelines, 2015. Collection method: clinical testing. Allele origin: unknown.

Labcorp Genetics (formerly Invitae), Labcorp
Classification: Uncertain significance for Glycine encephalopathy. Last evaluated: 2021-08-28. Review status: criteria provided, single submitter. Criteria: Invitae Variant Classification Sherloc (09022015). Collection method: clinical testing. Allele origin: germline.
Comment: This sequence change replaces arginine with glutamine at codon 297 of the AMT protein (p.Arg297Gln). The arginine residue is highly conserved and there is a small physicochemical difference between arginine and glutamine. This variant is not present in population databases (ExAC no frequency). This variant has not been reported in the literature in individuals affected with AMT-related conditions. Algorithms developed to predict the effect of missense changes on protein structure and function are either unavailable or do not agree on the potential impact of this missense change (SIFT: "Deleterious"; PolyPhen-2: "Benign"; Align-GVGD: "Class C35"). In summary, the available evidence is currently insufficient to determine the role of this variant in disease. Therefore, it has been classified as a Variant of Uncertain Significance.